The following is an entry in ClinVar:

NM_001369268.1(ACAN):c.1880T>C (p.Leu627Pro)

Gene: ACAN (aggrecan; plus strand). Cytogenetic location: 15q26.1.
Variant type: single nucleotide variant.
Coding change: c.1880T>C on transcript NM_001369268.1 (MANE Select); coding-DNA position 1880, T replaced by C.
Protein change: p.Leu627Pro; replaces leucine 627 with proline.
Molecular consequence: missense variant.
Genome position (GRCh38, 1-based): chr15:88,849,585, T>C. VCF-style: chr15-88849585-T-C. GRCh37 (hg19) VCF-style: chr15-89392816-T-C.
Other names: c.1880T>C, p.Leu627Pro (NM_001135.4, NM_001411096.1, NM_001411097.1 and 1 more transcripts); short protein forms L627P.
Identifiers: ClinVar variation 2631484 (VCV002631484.2), dbSNP rs2505285156, ClinGen allele CA393711989.

ClinVar aggregate classification (germline): Uncertain significance (0 of 4 stars; one submission).

Conditions:
ACAN-related disorder. Also called: ACAN-related condition; ACAN-related disorders.

Submission:

PreventionGenetics, part of Exact Sciences
Classification: Uncertain significance for ACAN-related condition. Last evaluated: 2024-07-31. Review status: no assertion criteria provided. Collection method: clinical testing. Allele origin: germline.
Comment: The ACAN c.1880T>C variant is predicted to result in the amino acid substitution p.Leu627Pro. To our knowledge, this variant has not been reported in the literature or in a large population database, indicating this variant is rare. At this time, the clinical significance of this variant is uncertain due to the absence of conclusive functional and genetic evidence.